The following is an entry in ClinVar:

NM_001621.5(AHR):c.205G>A (p.Val69Ile)

Gene: AHR (aryl hydrocarbon receptor; plus strand). Cytogenetic location: 7p21.1.
Variant type: single nucleotide variant.
Coding change: c.205G>A on transcript NM_001621.5 (MANE Select); coding-DNA position 205, G replaced by A.
Protein change: p.Val69Ile; replaces valine 69 with isoleucine.
Molecular consequence: missense variant.
Genome position (GRCh38, 1-based): chr7:17,310,075, G>A. VCF-style: chr7-17310075-G-A. GRCh37 (hg19) VCF-style: chr7-17349699-G-A.
Other names: short protein forms V69I.
Identifiers: ClinVar variation 1507037 (VCV001507037.8), dbSNP rs2115353027, ClinGen allele CA366888011.

ClinVar aggregate classification (germline): Uncertain significance (1 of 4 stars; one submission).

Allele frequency attached by ClinVar (database versions not stated): gnomAD exomes below 0.00001.
gnomAD v4.1: 2 of 1,613,952 alleles (0.00012%); highest among the groups gnomAD compares: South Asian, 0.0011%; no homozygotes.

Submission:

Labcorp Genetics (formerly Invitae), Labcorp
Classification: Uncertain significance. Last evaluated: 2022-06-20. Review status: criteria provided, single submitter. Criteria: Invitae Variant Classification Sherloc (09022015). Collection method: clinical testing. Allele origin: germline.
Comment: In summary, the available evidence is currently insufficient to determine the role of this variant in disease. Therefore, it has been classified as a Variant of Uncertain Significance. Algorithms developed to predict the effect of missense changes on protein structure and function (SIFT, PolyPhen-2, Align-GVGD) all suggest that this variant is likely to be tolerated. This variant has not been reported in the literature in individuals affected with AHR-related conditions. This variant is not present in population databases (gnomAD no frequency). This sequence change replaces valine, which is neutral and non-polar, with isoleucine, which is neutral and non-polar, at codon 69 of the AHR protein (p.Val69Ile).